The following is an entry in ClinVar:

NM_152383.5(DIS3L2):c.838G>C (p.Val280Leu)

Gene: DIS3L2 (DIS3 like 3'-5' exoribonuclease 2; plus strand). Cytogenetic location: 2q37.1.
Variant type: single nucleotide variant.
Coding change: c.838G>C on transcript NM_152383.5 (MANE Select); coding-DNA position 838, G replaced by C.
Protein change: p.Val280Leu; replaces valine 280 with leucine.
Molecular consequence: missense variant. On other transcripts: non-coding transcript variant (1).
Genome position (GRCh38, 1-based): chr2:232,136,607, G>C. VCF-style: chr2-232136607-G-C. GRCh37 (hg19) VCF-style: chr2-233001317-G-C.
Other names: c.838G>C, p.Val280Leu (NM_001257281.2); short protein forms V280L.
Identifiers: ClinVar variation 858538 (VCV000858538.9), dbSNP rs924879950, ClinGen allele CA67512074.

ClinVar aggregate classification (germline): Uncertain significance (1 of 4 stars; one submission).

Conditions:
Perlman syndrome (PRLMNS). Identifiers: Orphanet 2849, MedGen C0796113, MONDO:0009965, OMIM 267000.

Allele frequency attached by ClinVar (database versions not stated): gnomAD exomes below 0.00001; TOPMed 0.00001.
gnomAD v4.1: 1 of 1,613,938 alleles (0.000062%); highest among the groups gnomAD compares: Admixed American, 0.0017%; no homozygotes.

Submission:

Labcorp Genetics (formerly Invitae), Labcorp
Classification: Uncertain significance for Perlman syndrome. Last evaluated: 2026-01-26. Review status: criteria provided, single submitter. Criteria: Invitae Variant Classification Sherloc (09022015). Collection method: clinical testing. Allele origin: germline.
Comment: This sequence change replaces valine, which is neutral and non-polar, with leucine, which is neutral and non-polar, at codon 280 of the DIS3L2 protein (p.Val280Leu). This variant is not present in population databases (gnomAD no frequency). This variant has not been reported in the literature in individuals affected with DIS3L2-related conditions. ClinVar contains an entry for this variant (Variation ID: 858538). Invitae Evidence Modeling of protein sequence and biophysical properties (such as structural, functional, and spatial information, amino acid conservation, physicochemical variation, residue mobility, and thermodynamic stability) indicates that this missense variant is not expected to disrupt DIS3L2 protein function with a negative predictive value of 80%. In summary, the available evidence is currently insufficient to determine the role of this variant in disease. Therefore, it has been classified as a Variant of Uncertain Significance.